The following is an entry in ClinVar:

NM_198334.3(GANAB):c.134C>T (p.Ser45Phe)

Gene: GANAB (glucosidase II alpha subunit; minus strand). Cytogenetic location: 11q12.3.
Variant type: single nucleotide variant.
Coding change: c.134C>T on transcript NM_198334.3 (MANE Select); coding-DNA position 134, C replaced by T.
Protein change: p.Ser45Phe; replaces serine 45 with phenylalanine.
Molecular consequence: missense variant. On other transcripts: 5 prime UTR variant (5), intron variant (2).
Genome position (GRCh38, 1-based): chr11:62,639,636, G>A on the plus strand (C>T on the coding strand, the complement: GANAB is on the minus strand). VCF-style: chr11-62639636-G-A. GRCh37 (hg19) VCF-style: chr11-62407108-G-A.
Other names: c.-49C>T (NM_001278194.2); c.-158C>T (NM_001329222.2); c.-154C>T (NM_001329223.2); c.-643C>T (NM_001329224.2, NM_001329225.2); c.134C>T, p.Ser45Phe (NM_198335.4); c.39-4636C>T (NM_001278193.2, NM_001278192.2); short protein forms S45F.
Identifiers: ClinVar variation 2720318 (VCV002720318.3), dbSNP rs778504484, ClinGen allele CA6051221.

ClinVar aggregate classification (germline): Uncertain significance (1 of 4 stars; one submission).

Allele frequency attached by ClinVar (database versions not stated): TOPMed below 0.00001; gnomAD exomes 0.00001; ExAC 0.00003.
gnomAD v4.1: 10 of 1,608,230 alleles (0.00062%); highest among the groups gnomAD compares: Admixed American, 0.015%; no homozygotes.

Submission:

Labcorp Genetics (formerly Invitae), Labcorp
Classification: Uncertain significance. Last evaluated: 2022-10-26. Review status: criteria provided, single submitter. Criteria: Invitae Variant Classification Sherloc (09022015). Collection method: clinical testing. Allele origin: germline.
Comment: This sequence change replaces serine, which is neutral and polar, with phenylalanine, which is neutral and non-polar, at codon 45 of the GANAB protein (p.Ser45Phe). This variant is present in population databases (rs778504484, gnomAD 0.02%). This variant has not been reported in the literature in individuals affected with GANAB-related conditions. Advanced modeling of protein sequence and biophysical properties (such as structural, functional, and spatial information, amino acid conservation, physicochemical variation, residue mobility, and thermodynamic stability) performed at Invitae indicates that this missense variant is expected to disrupt GANAB protein function. In summary, the available evidence is currently insufficient to determine the role of this variant in disease. Therefore, it has been classified as a Variant of Uncertain Significance.